The following is an entry in ClinVar:

ClinVar aggregate classification (germline): Uncertain significance (1 of 4 stars; one submission).

Submission:

GeneDx
Classification: Uncertain significance. Last evaluated: 2022-02-25. Review status: criteria provided, single submitter. Criteria: GeneDx Variant Classification Process June 2021. Collection method: clinical testing. Allele origin: germline. Affected: yes.
Comment: Not observed at significant frequency in large population cohorts (gnomAD); In silico analysis supports that this missense variant has a deleterious effect on protein structure/function; Has not been previously published as pathogenic or benign to our knowledge

NM_000430.4(PAFAH1B1):c.484G>T (p.Gly162Cys)

Gene: PAFAH1B1 (platelet activating factor acetylhydrolase 1b regulatory subunit 1; plus strand). Cytogenetic location: 17p13.3.
Variant type: single nucleotide variant.
Coding change: c.484G>T on transcript NM_000430.4 (MANE Select); coding-DNA position 484, G replaced by T.
Protein change: p.Gly162Cys; replaces glycine 162 with cysteine.
Molecular consequence: missense variant.
Genome position (GRCh38, 1-based): chr17:2,670,247, G>T. VCF-style: chr17-2670247-G-T. GRCh37 (hg19) VCF-style: chr17-2573541-G-T.
Other names: short protein forms G162C.
Identifiers: ClinVar variation 1703897 (VCV001703897.2), dbSNP rs121434487, ClinGen allele CA397640121.